The following is an entry in ClinVar:

ClinVar aggregate classification (germline): Pathogenic (1 of 4 stars; one submission).

Conditions:
Amyotrophic lateral sclerosis type 4 (ALS4). Also called: NEURONOPATHY, DISTAL HEREDITARY MOTOR, WITH PYRAMIDAL FEATURES; AMYOTROPHIC LATERAL SCLEROSIS 4, JUVENILE. Identifiers: Orphanet 357043, MedGen C1865409, MONDO:0011223, OMIM 602433.
Spinocerebellar ataxia, autosomal recessive, with axonal neuropathy 2 (SCAN2). Also called: ATAXIA-OCULOMOTOR APRAXIA 2; Ataxia-ocular apraxia-2; Ataxia with Oculomotor Apraxia; Ataxia with Oculomotor Apraxia Type 2. Identifiers: Orphanet 64753, MedGen C1853761, MONDO:0018996, OMIM 606002.

Submission:

Labcorp Genetics (formerly Invitae), Labcorp
Classification: Pathogenic for Amyotrophic lateral sclerosis type 4; Spinocerebellar ataxia, autosomal recessive, with axonal neuropathy 2. Last evaluated: 2021-09-29. Review status: criteria provided, single submitter. Criteria: Invitae Variant Classification Sherloc (09022015). Collection method: clinical testing. Allele origin: germline.
Comment: For these reasons, this variant has been classified as Pathogenic. This variant has not been reported in the literature in individuals affected with SETX-related conditions. This variant is a gross deletion of the genomic region encompassing exon(s) 7-10 of the SETX gene. This deletion is out-of-frame, and is expected to create a premature termination codon and result in an absent or disrupted protein product. Loss-of-function variants in SETX are known to be pathogenic (PMID: 14770181).

Literature cited by the submitters: PubMed 14770181.

NC_000009.11:g.(?_135201691)_(135210134_?)del

Gene: SETX (senataxin; minus strand). Cytogenetic location: 9q34.13.
Variant type: Deletion.
Identifiers: ClinVar variation 1459833 (VCV001459833.6).